The following is an entry in ClinVar:

NM_006182.4(DDR2):c.2450C>G (p.Pro817Arg)

Gene: DDR2 (discoidin domain receptor tyrosine kinase 2; plus strand). Cytogenetic location: 1q23.3.
Variant type: single nucleotide variant.
Coding change: c.2450C>G on transcript NM_006182.4 (MANE Select); coding-DNA position 2450, C replaced by G.
Protein change: p.Pro817Arg; replaces proline 817 with arginine.
Molecular consequence: missense variant.
Genome position (GRCh38, 1-based): chr1:162,780,128, C>G. VCF-style: chr1-162780128-C-G. GRCh37 (hg19) VCF-style: chr1-162749918-C-G.
Other names: c.2450C>G, p.Pro817Arg (NM_001014796.3, NM_001354982.2, NM_001354983.2); short protein forms P817R.
Identifiers: ClinVar variation 1306625 (VCV001306625.2), dbSNP rs2102211211, ClinGen allele CA343417538.

ClinVar aggregate classification (germline): Uncertain significance (1 of 4 stars; one submission).

Submission:

GeneDx
Classification: Uncertain significance. Last evaluated: 2019-06-25. Review status: criteria provided, single submitter. Criteria: GeneDx Variant Classification Process June 2021. Collection method: clinical testing. Allele origin: germline. Affected: yes.
Comment: Not observed in large population cohorts (Lek et al., 2016); In silico analysis, which includes protein predictors and evolutionary conservation, supports a deleterious effect; Has not been previously published as pathogenic or benign to our knowledge